The following is an entry in ClinVar:

ClinVar aggregate classification (germline): Uncertain significance (1 of 4 stars; one submission).

gnomAD v4.1: 10 of 1,614,142 alleles (0.00062%); highest among the groups gnomAD compares: South Asian, 0.0044%; 1 homozygote.

Submission:

Labcorp Genetics (formerly Invitae), Labcorp
Classification: Uncertain significance. Last evaluated: 2023-10-03. Review status: criteria provided, single submitter. Criteria: Invitae Variant Classification Sherloc (09022015). Collection method: clinical testing. Allele origin: germline.
Comment: This sequence change replaces threonine, which is neutral and polar, with alanine, which is neutral and non-polar, at codon 1687 of the FAT4 protein (p.Thr1687Ala). This variant is not present in population databases (gnomAD no frequency). This variant has not been reported in the literature in individuals affected with FAT4-related conditions. ClinVar contains an entry for this variant (Variation ID: 1989618). Advanced modeling of protein sequence and biophysical properties (such as structural, functional, and spatial information, amino acid conservation, physicochemical variation, residue mobility, and thermodynamic stability) performed at Invitae indicates that this missense variant is not expected to disrupt FAT4 protein function. In summary, the available evidence is currently insufficient to determine the role of this variant in disease. Therefore, it has been classified as a Variant of Uncertain Significance.

NM_001291303.3(FAT4):c.5059A>G (p.Thr1687Ala)

Gene: FAT4 (FAT atypical cadherin 4; plus strand). Cytogenetic location: 4q28.1.
Variant type: single nucleotide variant.
Coding change: c.5059A>G on transcript NM_001291303.3 (MANE Select); coding-DNA position 5059, A replaced by G.
Protein change: p.Thr1687Ala; replaces threonine 1687 with alanine.
Molecular consequence: missense variant.
Genome position (GRCh38, 1-based): chr4:125,321,470, A>G. VCF-style: chr4-125321470-A-G. GRCh37 (hg19) VCF-style: chr4-126242625-A-G.
Other names: c.5059A>G, p.Thr1687Ala (NM_001291285.3, NM_024582.6); short protein forms T1687A.
Identifiers: ClinVar variation 1989618 (VCV001989618.4), dbSNP rs2530457082, ClinGen allele CA358129603.